The following is an entry in ClinVar:

NM_005475.3(SH2B3):c.1004C>G (p.Thr335Arg)

Gene: SH2B3 (SH2B adaptor protein 3; plus strand). Cytogenetic location: 12q24.12.
Variant type: single nucleotide variant.
Coding change: c.1004C>G on transcript NM_005475.3 (MANE Select); coding-DNA position 1004, C replaced by G.
Protein change: p.Thr335Arg; replaces threonine 335 with arginine.
Molecular consequence: missense variant.
Genome position (GRCh38, 1-based): chr12:111,447,202, C>G. VCF-style: chr12-111447202-C-G. GRCh37 (hg19) VCF-style: chr12-111885006-C-G.
Other names: c.398C>G, p.Thr133Arg (NM_001291424.1); short protein forms T335R, T133R.
Identifiers: ClinVar variation 3953369 (VCV003953369.1).

ClinVar aggregate classification (germline): Uncertain significance (1 of 4 stars; one submission).

Conditions:
Inborn genetic diseases. Identifiers: MedGen C0950123, MeSH D030342.

gnomAD v4.1: 1 of 1,613,316 alleles (0.000062%); highest among the groups gnomAD compares: Non-Finnish European, 0.000085%; no homozygotes.

Submission:

Ambry Genetics
Classification: Uncertain significance for Inborn genetic diseases. Last evaluated: 2025-03-22. Review status: criteria provided, single submitter. Criteria: Ambry Variant Classification Scheme 2023. Collection method: clinical testing. Allele origin: germline.
Comment: The p.T335R variant (also known as c.1004C>G), located in coding exon 4 of the SH2B3 gene, results from a C to G substitution at nucleotide position 1004. The threonine at codon 335 is replaced by arginine, an amino acid with similar properties. This amino acid position is conserved. In addition, this alteration is predicted to be tolerated by in silico analysis. Based on the available evidence, the clinical significance of this variant remains unclear.